The following is an entry in ClinVar:

NM_000355.4(TCN2):c.430C>T (p.His144Tyr)

Gene: TCN2 (transcobalamin 2; plus strand). Cytogenetic location: 22q12.2.
Variant type: single nucleotide variant.
Coding change: c.430C>T on transcript NM_000355.4 (MANE Select); coding-DNA position 430, C replaced by T.
Protein change: p.His144Tyr; replaces histidine 144 with tyrosine.
Molecular consequence: missense variant.
Genome position (GRCh38, 1-based): chr22:30,614,351, C>T. VCF-style: chr22-30614351-C-T. GRCh37 (hg19) VCF-style: chr22-31010338-C-T.
Other names: c.349C>T, p.His117Tyr (NM_001184726.2); short protein forms H117Y, H144Y.
Identifiers: ClinVar variation 938554 (VCV000938554.10), dbSNP rs747296848, ClinGen allele CA10184667.

ClinVar aggregate classification (germline): Uncertain significance. Review status: criteria provided, multiple submitters, no conflicts (2 of 4 stars). 2 submissions from 2 submitters: Uncertain significance (2). Last evaluated 2025-09-26.

Conditions:
Inborn genetic diseases. Identifiers: MedGen C0950123, MeSH D030342.
Transcobalamin II deficiency (TCN2D). Also called: Transcolabamin II deficiency; TC II DEFICIENCY; TCN2 DEFICIENCY. Identifiers: Orphanet 859, MedGen C0342701, MONDO:0010149, OMIM 275350.

Allele frequency attached by ClinVar (database versions not stated): gnomAD exomes 0.00001 and 0.00003; TOPMed 0.00001; ExAC 0.00002.
gnomAD v4.1: 41 of 1,614,142 alleles (0.0025%); highest among the groups gnomAD compares: Non-Finnish European, 0.003%; no homozygotes.

Submissions (2):

Ambry Genetics
Classification: Uncertain significance for Inborn genetic diseases. Last evaluated: 2025-09-26. Review status: criteria provided, single submitter. Criteria: Ambry Variant Classification Scheme 2023. Collection method: clinical testing. Allele origin: germline.

Labcorp Genetics (formerly Invitae), Labcorp
Classification: Uncertain significance for Transcobalamin II deficiency. Last evaluated: 2024-04-05. Review status: criteria provided, single submitter. Criteria: Invitae Variant Classification Sherloc (09022015). Collection method: clinical testing. Allele origin: germline.
Comment: This sequence change replaces histidine, which is basic and polar, with tyrosine, which is neutral and polar, at codon 144 of the TCN2 protein (p.His144Tyr). This variant is present in population databases (rs747296848, gnomAD 0.002%). This variant has not been reported in the literature in individuals affected with TCN2-related conditions. ClinVar contains an entry for this variant (Variation ID: 938554). An algorithm developed to predict the effect of missense changes on protein structure and function (PolyPhen-2) suggests that this variant is likely to be tolerated. In summary, the available evidence is currently insufficient to determine the role of this variant in disease. Therefore, it has been classified as a Variant of Uncertain Significance.